The following is an entry in ClinVar:

ClinVar aggregate classification (germline): Uncertain significance (1 of 4 stars; one submission).

Conditions:
Malignant hyperthermia, susceptibility to, 1 (MHS1). Also called: Anesthesia related hyperthermia; Malignant hyperpyrexia; Fulminating hyperpyrexia; Pharmacogenic myopathy; RYR1-Related Malignant Hyperthermia Susceptibility; Malignant hyperthermia suceptibility 1. Identifiers: Orphanet 423, MedGen C2930980, MONDO:0007783, OMIM 145600.

Allele frequency attached by ClinVar (database versions not stated): gnomAD exomes below 0.00001; TOPMed below 0.00001.
gnomAD v4.1: 1 of 1,610,602 alleles (0.000062%); highest among the groups gnomAD compares: South Asian, 0.0011%; no homozygotes.

Submission:

All of Us Research Program, National Institutes of Health
Classification: Uncertain significance for Malignant hyperthermia, susceptibility to, 1. Last evaluated: 2023-12-13. Review status: criteria provided, single submitter. Criteria: ACMG Guidelines, 2015. Collection method: clinical testing. Allele origin: germline. Inheritance: Autosomal dominant inheritance. Observed: 1 variant allele, 1 heterozygote.
Comment: This variant causes a G to A nucleotide substitution at the +3 position of intron 79 of the RYR1 gene. To our knowledge, functional studies have not been reported for this variant. This variant has not been reported in individuals affected with RYR1-related disorders in the literature. This variant has not been identified in the general population by the Genome Aggregation Database (gnomAD). The available evidence is insufficient to determine the role of this variant in disease conclusively. Therefore, this variant is classified as a Variant of Uncertain Significance.

This study involves interpretation of variants in research participants for the purpose of population health screening. Participant phenotype was not available at the time of variant classification. Additional details can be found in publication PMID: 35346344, PMCID: PMC8962531

NM_000540.3(RYR1):c.11359+3G>A

Gene: RYR1 (ryanodine receptor 1; plus strand). Cytogenetic location: 19q13.2.
Variant type: single nucleotide variant.
Coding change: c.11359+3G>A on transcript NM_000540.3 (MANE Select); 3 bases into the intron after coding-DNA position 11359, G replaced by A.
Molecular consequence: intron variant.
Genome position (GRCh38, 1-based): chr19:38,534,822, G>A. VCF-style: chr19-38534822-G-A. GRCh37 (hg19) VCF-style: chr19-39025462-G-A.
Other names: c.11344+3G>A (NM_001042723.2).
Identifiers: ClinVar variation 3074825 (VCV003074825.1), dbSNP rs1971895106, ClinGen allele CA2335070478.
Genomic context (GRCh38, chr19:38,534,822, plus strand): 5'-CGGCTGCACACCCGGGGGGCGGCCGAGATGGTGCTGCAGATGATCAGTGCCTGCAAAGGT[G>A]CCCCTCACATGTGCACTGGACTCTTCCGAGTGCACTCATCCTAACCTCACTCCTCCTGGC-3'